The following is an entry in ClinVar:

ClinVar aggregate classification (germline): Uncertain significance (1 of 4 stars; one submission).

Conditions:
Maple syrup urine disease (MSUD). Identifiers: Orphanet 511, MedGen C0024776, MeSH D008375, MONDO:0009563. Disease mechanism: loss of function.

Submission:

Labcorp Genetics (formerly Invitae), Labcorp
Classification: Uncertain significance for Maple syrup urine disease. Last evaluated: 2020-08-03. Review status: criteria provided, single submitter. Criteria: Invitae Variant Classification Sherloc (09022015). Collection method: clinical testing. Allele origin: germline.
Comment: This variant is not present in population databases (ExAC no frequency). This variant has not been reported in the literature in individuals with BCKDHB-related conditions. Algorithms developed to predict the effect of missense changes on protein structure and function (SIFT, PolyPhen-2, Align-GVGD) all suggest that this variant is likely to be tolerated, but these predictions have not been confirmed by published functional studies and their clinical significance is uncertain. In summary, the available evidence is currently insufficient to determine the role of this variant in disease. Therefore, it has been classified as a Variant of Uncertain Significance. This sequence change replaces alanine with glycine at codon 276 of the BCKDHB protein (p.Ala276Gly). The alanine residue is moderately conserved and there is a small physicochemical difference between alanine and glycine.

NM_183050.4(BCKDHB):c.827C>G (p.Ala276Gly)

Gene: BCKDHB (branched chain keto acid dehydrogenase E1 subunit beta; plus strand). Cytogenetic location: 6q14.1.
Variant type: single nucleotide variant.
Coding change: c.827C>G on transcript NM_183050.4 (MANE Select); coding-DNA position 827, C replaced by G.
Protein change: p.Ala276Gly; replaces alanine 276 with glycine.
Molecular consequence: missense variant. On other transcripts: non-coding transcript variant (1).
Genome position (GRCh38, 1-based): chr6:80,201,018, C>G. VCF-style: chr6-80201018-C-G. GRCh37 (hg19) VCF-style: chr6-80910735-C-G.
Other names: c.827C>G, p.Ala276Gly (NM_000056.5); c.617C>G, p.Ala206Gly (NM_001318975.1); short protein forms A276G, A206G.
Identifiers: ClinVar variation 1043216 (VCV001043216.9), dbSNP rs1774369297, ClinGen allele CA364660059.